The following is an entry in ClinVar:

NM_000147.5(FUCA1):c.882G>C (p.Glu294Asp)

Gene: FUCA1 (alpha-L-fucosidase 1; minus strand). Cytogenetic location: 1p36.11.
Variant type: single nucleotide variant.
Coding change: c.882G>C on transcript NM_000147.5 (MANE Select); coding-DNA position 882, G replaced by C.
Protein change: p.Glu294Asp; replaces glutamic acid 294 with aspartic acid.
Molecular consequence: missense variant.
Genome position (GRCh38, 1-based): chr1:23,854,447, C>G on the plus strand (G>C on the coding strand, the complement: FUCA1 is on the minus strand). VCF-style: chr1-23854447-C-G. GRCh37 (hg19) VCF-style: chr1-24180937-C-G.
Other names: short protein forms E294D.
Identifiers: ClinVar variation 569974 (VCV000569974.9), dbSNP rs1483687600, ClinGen allele CA339038458.

ClinVar aggregate classification (germline): Conflicting classifications of pathogenicity. Review status: criteria provided, conflicting classifications (1 of 4 stars). 3 submissions from 3 submitters: Pathogenic (1); Uncertain significance (2). Last evaluated 2025-12-18.

Conditions:
Fucosidosis. Also called: ALPHA-L-FUCOSIDASE DEFICIENCY. Identifiers: Orphanet 349, MedGen C0016788, MONDO:0009254, OMIM 230000.

Allele frequency attached by ClinVar (database versions not stated): gnomAD exomes below 0.00001; gnomAD 0.00001; TOPMed 0.00001.
gnomAD v4.1: 3 of 1,613,982 alleles (0.00019%); highest among the groups gnomAD compares: Admixed American, 0.0033%; no homozygotes.

Submissions (3):

Women's Health and Genetics/Laboratory Corporation of America, LabCorp
Classification: Uncertain significance. Last evaluated: 2025-12-18. Review status: criteria provided, single submitter. Criteria: LabCorp Variant Classification Summary - May 2015. Collection method: clinical testing. Allele origin: germline.
Comment: Variant summary: FUCA1 c.882G>C (p.Glu294Asp) results in a conservative amino acid change in the encoded protein sequence. Algorithms developed to predict the effect of missense changes on protein structure and function are either unavailable or do not agree on the potential impact of this missense change. The variant allele was found at a frequency of 4e-06 in 251494 control chromosomes. The available data on variant occurrences in the general population are insufficient to allow any conclusion about variant significance. c.882G>C has been observed in individual(s) affected with Fucosidosis (internal data). These data do not allow any conclusion about variant significance. To our knowledge, no experimental evidence demonstrating an impact on protein function has been reported. ClinVar contains an entry for this variant (Variation ID: 569974). Based on the evidence outlined above, the variant was classified as uncertain significance.

Labcorp Genetics (formerly Invitae), Labcorp
Classification: Pathogenic for Fucosidosis. Last evaluated: 2024-11-04. Review status: criteria provided, single submitter. Criteria: Invitae Variant Classification Sherloc (09022015). Collection method: clinical testing. Allele origin: germline.
Comment: This sequence change replaces glutamic acid, which is acidic and polar, with aspartic acid, which is acidic and polar, at codon 294 of the FUCA1 protein (p.Glu294Asp). This variant is present in population databases (no rsID available, gnomAD no frequency). This missense change has been observed in individual(s) with fucosidosis (internal data). ClinVar contains an entry for this variant (Variation ID: 569974). Invitae Evidence Modeling of protein sequence and biophysical properties (such as structural, functional, and spatial information, amino acid conservation, physicochemical variation, residue mobility, and thermodynamic stability) has been performed for this missense variant. However, the output from this modeling did not meet the statistical confidence thresholds required to predict the impact of this variant on FUCA1 protein function. For these reasons, this variant has been classified as Pathogenic.

GeneDx
Classification: Uncertain significance. Last evaluated: 2022-02-11. Review status: criteria provided, single submitter. Criteria: GeneDx Variant Classification Process June 2021. Collection method: clinical testing. Allele origin: germline. Affected: yes.
Comment: Not observed at significant frequency in large population cohorts (gnomAD); In silico analysis supports that this missense variant has a deleterious effect on protein structure/function; Has not been previously published as pathogenic or benign to our knowledge